The following is an entry in ClinVar:

NM_000548.5(TSC2):c.3758_3766del (p.Leu1253_Val1255del)

Gene: TSC2 (TSC complex subunit 2; plus strand). Cytogenetic location: 16p13.3.
Variant type: Deletion.
Coding change: c.3758_3766del on transcript NM_000548.5 (MANE Select); coding-DNA positions 3758 to 3766, 9 bases deleted (TGTCGGTGC; older notation c.3758_3766delTGTCGGTGC).
Protein change: p.Leu1253_Val1255del.
Molecular consequence: non-coding transcript variant (on NR_176225.1).
Genome position (GRCh38, 1-based): chr16:2,081,742-2,081,750, TGTCGGTGC deleted; deleting any 9 consecutive bases within chr16:2,081,741-2,081,750 gives the same sequence; the c. name uses the placement nearest the transcript's 3' end. VCF-style (leftmost placement, unchanged base first): chr16-2081740-ACTGTCGGTG-A. GRCh37 (hg19) VCF-style: chr16-2131741-ACTGTCGGTG-A.
Other names: c.3626_3634del, p.Leu1209_Val1211del (NM_001077183.3, NM_001370404.1, NM_001406665.1); c.3758_3766del, p.Leu1253_Val1255del (NM_001114382.3); c.3518_3526del, p.Leu1173_Val1175del (NM_001318827.2); c.3482_3490del, p.Leu1161_Val1163del (NM_001318829.2); c.3026_3034del, p.Leu1009_Val1011del (NM_001318831.2, NM_001406687.1, NM_001406688.1); c.3659_3667del, p.Leu1220_Val1222del (NM_001318832.2); c.3629_3637del, p.Leu1210_Val1212del (NM_001363528.2, NM_001370405.1, NM_021055.3); c.3755_3763del, p.Leu1252_Val1254del (NM_001406663.1, NM_001406664.1); and 18 more.
Identifiers: ClinVar variation 3726244 (VCV003726244.2).
Genomic context (GRCh38, chr16:2,081,740, plus strand): 5'-TAACGCCCTCATGGCGGCTGAGCGCTTCAAGGAGCACCGGGACACAGCCCTGTACAAGTC[ACTGTCGGTG>A]CCGGCAGCCAGCACGGCCAAACCCCCTCCTCTGCCTCGCTCCAACACAGGTGAGTGGCAT-3'

ClinVar aggregate classification (germline): Uncertain significance (1 of 4 stars; one submission).

Conditions:
Tuberous sclerosis 2 (TSC2). Identifiers: Orphanet 805, MedGen C1860707, MONDO:0013199, OMIM 613254.

Submission:

Labcorp Genetics (formerly Invitae), Labcorp
Classification: Uncertain significance for Tuberous sclerosis 2. Last evaluated: 2024-11-27. Review status: criteria provided, single submitter. Criteria: Invitae Variant Classification Sherloc (09022015). Collection method: clinical testing. Allele origin: germline.
Comment: This variant, c.3758_3766del, results in the deletion of 3 amino acid(s) of the TSC2 protein (p.Leu1253_Val1255del), but otherwise preserves the integrity of the reading frame. This variant is not present in population databases (gnomAD no frequency). This variant has not been reported in the literature in individuals affected with TSC2-related conditions. Experimental studies and prediction algorithms are not available or were not evaluated, and the functional significance of this variant is currently unknown. In summary, the available evidence is currently insufficient to determine the role of this variant in disease. Therefore, it has been classified as a Variant of Uncertain Significance.